The following is an entry in ClinVar:

ClinVar aggregate classification (germline): Uncertain significance (1 of 4 stars; one submission).

Conditions:
KLF11-related disorder. Also called: KLF11-related condition.

Submission:

PreventionGenetics, part of Exact Sciences
Classification: Uncertain significance for KLF11-related condition. Last evaluated: 2023-02-18. Review status: criteria provided, single submitter. Criteria: ACMG Guidelines, 2015. Collection method: clinical testing. Allele origin: germline.
Comment: The KLF11 c.1059dupC variant is predicted to result in a frameshift and premature protein termination (p.Cys354Leufs*26). To our knowledge, this variant has not been reported in the literature or in a large population database, indicating this variant is rare. Although we suspect that this variant may be pathogenic, at this time, the clinical significance of this variant is uncertain due to the absence of conclusive functional and genetic evidence.

NM_003597.5(KLF11):c.1059dup (p.Cys354fs)

Gene: KLF11 (KLF transcription factor 11; plus strand). Cytogenetic location: 2p25.1.
Variant type: Duplication.
Coding change: c.1059dup on transcript NM_003597.5 (MANE Select); coding-DNA position 1059, one base duplicated (C; older notation c.1059dupC).
Protein change: p.Cys354fs; shifts the reading frame from cysteine 354.
Molecular consequence: frameshift variant.
Genome position (GRCh38, 1-based): chr2:10,048,396, C duplicated; the last of 5 consecutive C bases (chr2:10,048,392-10,048,396); duplicating any one gives the same sequence. VCF-style (leftmost placement, unchanged base first): chr2-10048391-G-GC. GRCh37 (hg19) VCF-style: chr2-10188518-G-GC.
Other names: c.1008dup, p.Cys337fs (NM_001177716.2, NM_001177718.2); short protein forms C337fs, C354fs.
Identifiers: ClinVar variation 2630156 (VCV002630156.1), dbSNP rs2527711763, ClinGen allele CA2695200425.